The following is an entry in ClinVar:

ClinVar aggregate classification (germline): Uncertain significance. Review status: criteria provided, multiple submitters, no conflicts (2 of 4 stars). 2 submissions from 2 submitters: Uncertain significance (2). Last evaluated 2025-06-01.

Conditions:
Inborn genetic diseases. Identifiers: MedGen C0950123, MeSH D030342.

Allele frequency attached by ClinVar (database versions not stated): ExAC 0.00035; ESP Exome Variant Server 0.00008; gnomAD 0.00023; TOPMed 0.00031; gnomAD exomes 0.00032.
gnomAD v4.1: 508 of 1,613,982 alleles (0.031%); highest among the groups gnomAD compares: Admixed American, 0.038%; no homozygotes.

Submissions (2):

CeGaT Center for Human Genetics Tuebingen
Classification: Uncertain significance. Last evaluated: 2025-06-01. Review status: criteria provided, single submitter. Criteria: CeGaT Center For Human Genetics Tuebingen Variant Classification Criteria Version 2. Collection method: clinical testing. Allele origin: germline. Affected: yes. Observed: 1 variant allele.
Comment: CDH11: PM2:Supporting

Ambry Genetics
Classification: Uncertain significance for Inborn genetic diseases. Last evaluated: 2021-08-23. Review status: criteria provided, single submitter. Criteria: Ambry Variant Classification Scheme 2023. Collection method: clinical testing. Allele origin: germline.

NM_001797.4(CDH11):c.1945A>G (p.Ile649Val)

Gene: CDH11 (cadherin 11; minus strand). Cytogenetic location: 16q21.
Variant type: single nucleotide variant.
Coding change: c.1945A>G on transcript NM_001797.4 (MANE Select); coding-DNA position 1945, A replaced by G.
Protein change: p.Ile649Val; replaces isoleucine 649 with valine.
Molecular consequence: missense variant. On other transcripts: 3 prime UTR variant (1).
Genome position (GRCh38, 1-based): chr16:64,948,049, T>C on the plus strand (A>G on the coding strand, the complement: CDH11 is on the minus strand). VCF-style: chr16-64948049-T-C. GRCh37 (hg19) VCF-style: chr16-64981952-T-C.
Other names: c.*42A>G (NM_001308392.2); c.1567A>G, p.Ile523Val (NM_001330576.2); short protein forms I523V, I649V.
Identifiers: ClinVar variation 2249114 (VCV002249114.10), dbSNP rs201059793, ClinGen allele CA8091890.